The following is an entry in ClinVar:

ClinVar aggregate classification (germline): Uncertain significance (1 of 4 stars; one submission).

Conditions:
ADNP-related disorder. Also called: ADNP-related condition.

Submission:

PreventionGenetics, part of Exact Sciences
Classification: Uncertain significance for ADNP-related condition. Last evaluated: 2023-08-28. Review status: criteria provided, single submitter. Criteria: ACMG Guidelines, 2015. Collection method: clinical testing. Allele origin: germline.
Comment: The ADNP c.328C>T variant is predicted to result in the amino acid substitution p.Pro110Ser. To our knowledge, this variant has not been reported in the literature or in a large population database, indicating this variant is rare. At this time, the clinical significance of this variant is uncertain due to the absence of conclusive functional and genetic evidence.

NM_001282531.3(ADNP):c.328C>T (p.Pro110Ser)

Gene: ADNP (activity dependent neuroprotector homeobox; minus strand). Cytogenetic location: 20q13.13.
Variant type: single nucleotide variant.
Coding change: c.328C>T on transcript NM_001282531.3 (MANE Select); coding-DNA position 328, C replaced by T.
Protein change: p.Pro110Ser; replaces proline 110 with serine.
Molecular consequence: missense variant.
Genome position (GRCh38, 1-based): chr20:50,894,386, G>A on the plus strand (C>T on the coding strand, the complement: ADNP is on the minus strand). VCF-style: chr20-50894386-G-A. GRCh37 (hg19) VCF-style: chr20-49510923-G-A.
Other names: c.328C>T, p.Pro110Ser (NM_001282532.2, NM_001347511.2, NM_015339.5 and 1 more transcripts); short protein forms P110S.
Identifiers: ClinVar variation 2631307 (VCV002631307.1), dbSNP rs2515592592, ClinGen allele CA408979406.